The following is an entry in ClinVar:

ClinVar aggregate classification (germline): Conflicting classifications of pathogenicity. Review status: criteria provided, conflicting classifications (1 of 4 stars). 2 submissions from 2 submitters: Uncertain significance (1); Likely benign (1). Last evaluated 2025-02-27.

Conditions:
Cardiovascular phenotype. Identifiers: MedGen CN230736.
Hypercholesterolemia, autosomal dominant, type B (FHCL2). Also called: APOB-Related Familial Hypercholesterolemia, Autosomal Dominant; Familial Hypercholesterolemia Type B; APOLIPOPROTEIN B-100, FAMILIAL DEFECTIVE; APOLIPOPROTEIN B-100, FAMILIAL LIGAND-DEFECTIVE; HYPERCHOLESTEROLEMIA, FAMILIAL, DUE TO LIGAND-DEFECTIVE APOLIPOPROTEIN B; Hyperlipoproteinemia Type IIb. Identifiers: MedGen C1704417, MONDO:0007751, OMIM 144010.
Familial hypobetalipoproteinemia 1. Also called: Hypobetalipoproteinemia, normotriglyceridemic; Acanthocytosis with hypobetalipoproteinemia; APOB-Related Familial Hypobetalipoproteinemia. Identifiers: MedGen C4551990, MONDO:0014252, OMIM 615558.

Allele frequency attached by ClinVar (database versions not stated): gnomAD 0.00001; gnomAD exomes 0.00002.
gnomAD v4.1: 10 of 1,602,748 alleles (0.00062%); highest among the groups gnomAD compares: Admixed American, 0.0017%; no homozygotes.

Submissions (2):

Ambry Genetics
Classification: Uncertain significance for Cardiovascular phenotype. Last evaluated: 2025-02-27. Review status: criteria provided, single submitter. Criteria: Ambry Variant Classification Scheme 2023. Collection method: clinical testing. Allele origin: germline.
Comment: The p.K4349R variant (also known as c.13046A>G), located in coding exon 29 of the APOB gene, results from an A to G substitution at nucleotide position 13046. The lysine at codon 4349 is replaced by arginine, an amino acid with highly similar properties. This amino acid position is conserved. In addition, this alteration is predicted to be tolerated by in silico analysis. Based on the available evidence, the clinical significance of this variant remains unclear.

Labcorp Genetics (formerly Invitae), Labcorp
Classification: Likely benign for Familial hypobetalipoproteinemia 1; Hypercholesterolemia, autosomal dominant, type B. Last evaluated: 2025-02-09. Review status: criteria provided, single submitter. Criteria: Invitae Variant Classification Sherloc (09022015). Collection method: clinical testing. Allele origin: germline.

NM_000384.3(APOB):c.13046A>G (p.Lys4349Arg)

Gene: APOB (apolipoprotein B; minus strand). Cytogenetic location: 2p24.1.
Variant type: single nucleotide variant.
Coding change: c.13046A>G on transcript NM_000384.3 (MANE Select); coding-DNA position 13046, A replaced by G.
Protein change: p.Lys4349Arg; replaces lysine 4349 with arginine.
Molecular consequence: missense variant.
Genome position (GRCh38, 1-based): chr2:21,002,376, T>C on the plus strand (A>G on the coding strand, the complement: APOB is on the minus strand). VCF-style: chr2-21002376-T-C. GRCh37 (hg19) VCF-style: chr2-21225248-T-C.
Other names: short protein forms K4349R.
Identifiers: ClinVar variation 2926919 (VCV002926919.4), dbSNP rs1261837542, ClinGen allele CA345969664.